The following is an entry in ClinVar:

ClinVar aggregate classification (germline): Likely pathogenic (1 of 4 stars; one submission).

Conditions:
Bifunctional peroxisomal enzyme deficiency (DBIF). Also called: PBFE DEFICIENCY; D-bifunctional protein deficiency; DBP DEFICIENCY. Identifiers: Orphanet 300, MedGen C0342870, MONDO:0009855, OMIM 261515. Disease mechanism: loss of function.
Perrault syndrome 1 (PRLTS1). Also called: OVARIAN DYSGENESIS WITH SENSORINEURAL DEAFNESS; GONADAL DYSGENESIS, XX TYPE, WITH DEAFNESS. Identifiers: Orphanet 2855, Orphanet 642945, MedGen C4551721, MONDO:0009300, OMIM 233400.

Submission:

Juno Genomics, Hangzhou Juno Genomics, Inc
Classification: Likely pathogenic for Bifunctional peroxisomal enzyme deficiency; Perrault syndrome 1. Review status: criteria provided, single submitter. Criteria: ACMG Guidelines, 2015. Collection method: clinical testing. Allele origin: germline. Affected: yes.
Comment: Absent from controls (or at extremely low frequency if recessive) in Genome Aggregation Database, Exome Sequencing Project, 1000 Genomes Project, or Exome Aggregation Consortium.;Null variant in a gene where loss of function (LOF) is a known mechanism of disease.

NM_000414.4(HSD17B4):c.1423_1435del (p.Ser475fs)

Gene: HSD17B4 (hydroxysteroid 17-beta dehydrogenase 4; plus strand). Cytogenetic location: 5q23.1.
Variant type: Deletion.
Coding change: c.1423_1435del on transcript NM_000414.4 (MANE Select); coding-DNA positions 1423 to 1435, 13 bases deleted (TCAGACAAAGTCA).
Protein change: p.Ser475fs; shifts the reading frame from serine 475.
Molecular consequence: frameshift variant. On other transcripts: non-coding transcript variant (2).
Genome position (GRCh38, 1-based): chr5:119,509,230-119,509,242, TCAGACAAAGTCA deleted; deleting any 13 consecutive bases within chr5:119,509,228-119,509,242 gives the same sequence; the c. name uses the placement nearest the transcript's 3' end. VCF-style (leftmost placement, unchanged base first): chr5-119509227-ACATCAGACAAAGT-A. GRCh37 (hg19) VCF-style: chr5-118844922-ACATCAGACAAAGT-A.
Other names: c.1012_1024del, p.Ser338fs (NM_001374501.1, NM_001374502.1, NM_001374503.1); c.1498_1510del, p.Ser500fs (NM_001199291.3); c.1369_1381del, p.Ser457fs (NM_001199292.2); c.1351_1363del, p.Ser451fs (NM_001292027.2, NM_001374498.1); c.1003_1015del, p.Ser335fs (NM_001292028.2); c.1414_1426del, p.Ser472fs (NM_001374497.1); c.1096_1108del, p.Ser366fs (NM_001374499.1); c.982_994del, p.Ser328fs (NM_001374500.1); short protein forms S328fs, S335fs, S338fs, S366fs, S451fs, S457fs, S472fs, S475fs.
Identifiers: ClinVar variation 3382211 (VCV003382211.2).